The following is an entry in ClinVar:

ClinVar aggregate classification (germline): Uncertain significance. Review status: criteria provided, multiple submitters, no conflicts (2 of 4 stars). 2 submissions from 2 submitters: Uncertain significance (2). Last evaluated 2025-10-01.

Allele frequency attached by ClinVar (database versions not stated): gnomAD exomes below 0.00001; TOPMed 0.00001; ESP Exome Variant Server 0.00008; ExAC 0.00001.
gnomAD v4.1: 2 of 1,614,248 alleles (0.00012%); highest among the groups gnomAD compares: Middle Eastern, 0.016%; no homozygotes.

Submissions (2):

Labcorp Genetics (formerly Invitae), Labcorp
Classification: Uncertain significance. Last evaluated: 2025-10-01. Review status: criteria provided, single submitter. Criteria: Invitae Variant Classification Sherloc (09022015). Collection method: clinical testing. Allele origin: germline.
Comment: This sequence change replaces valine, which is neutral and non-polar, with alanine, which is neutral and non-polar, at codon 800 of the NPAT protein (p.Val800Ala). This variant is present in population databases (rs369351152, gnomAD 0.003%). This variant has not been reported in the literature in individuals affected with NPAT-related conditions. ClinVar contains an entry for this variant (Variation ID: 2496675). An algorithm developed to predict the effect of missense changes on protein structure and function outputs the following: PolyPhen-2: "Benign". The alanine amino acid residue is found in multiple mammalian species, which suggests that this missense change does not adversely affect protein function. In summary, the available evidence is currently insufficient to determine the role of this variant in disease. Therefore, it has been classified as a Variant of Uncertain Significance.

Ambry Genetics
Classification: Uncertain significance. Last evaluated: 2022-11-27. Review status: criteria provided, single submitter. Criteria: Ambry Variant Classification Scheme 2023. Collection method: clinical testing. Allele origin: germline.
Comment: The p.V800A variant (also known as c.2399T>C), located in coding exon 13 of the NPAT gene, results from a T to C substitution at nucleotide position 2399. The valine at codon 800 is replaced by alanine, an amino acid with similar properties. This amino acid position is conserved. In addition, this alteration is predicted to be tolerated by in silico analysis. Since supporting evidence is limited at this time, the clinical significance of this alteration remains unclear.

NM_002519.3(NPAT):c.2399T>C (p.Val800Ala)

Gene: NPAT (nuclear protein, coactivator of histone transcription; minus strand). Cytogenetic location: 11q22.3.
Variant type: single nucleotide variant.
Coding change: c.2399T>C on transcript NM_002519.3 (MANE Select); coding-DNA position 2399, T replaced by C.
Protein change: p.Val800Ala; replaces valine 800 with alanine.
Molecular consequence: missense variant.
Genome position (GRCh38, 1-based): chr11:108,172,585, A>G on the plus strand (T>C on the coding strand, the complement: NPAT is on the minus strand). VCF-style: chr11-108172585-A-G. GRCh37 (hg19) VCF-style: chr11-108043312-A-G.
Other names: c.2399T>C, p.Val800Ala (NM_001321307.1); short protein forms V800A.
Identifiers: ClinVar variation 2496675 (VCV002496675.5), dbSNP rs369351152, ClinGen allele CA6263824.